The following is an entry in ClinVar:

NM_004370.6(COL12A1):c.2799C>T (p.Arg933=)

Gene: COL12A1 (collagen type XII alpha 1 chain; minus strand). Cytogenetic location: 6q13.
Variant type: single nucleotide variant.
Coding change: c.2799C>T on transcript NM_004370.6 (MANE Select); coding-DNA position 2799, C replaced by T.
Protein change: p.Arg933=; no amino-acid change (arginine 933 retained).
Molecular consequence: synonymous variant. On other transcripts: intron variant (1).
Genome position (GRCh38, 1-based): chr6:75,165,691, G>A on the plus strand (C>T on the coding strand, the complement: COL12A1 is on the minus strand). VCF-style: chr6-75165691-G-A. GRCh37 (hg19) VCF-style: chr6-75875407-G-A.
Other names: p.Arg933=; c.74-13209C>T (NM_080645.3).
Identifiers: ClinVar variation 767273 (VCV000767273.24), dbSNP rs372499120, ClinGen allele CA3893871.

ClinVar aggregate classification (germline): Likely benign. Review status: criteria provided, multiple submitters, no conflicts (2 of 4 stars). 4 submissions from 4 submitters: Likely benign (3). 1 of the submissions does not count toward it. Last evaluated 2025-12-15.

Conditions:
COL12A1-related disorder. Also called: COL12A1-related condition.
Ullrich congenital muscular dystrophy 2 (UCMD2). Identifiers: Orphanet 75840, MedGen C4225314, MONDO:0014654, OMIM 616470.
Bethlem myopathy 2 (BTHLM2). Identifiers: Orphanet 536516, Orphanet 610, MedGen C4225313, MONDO:0034022, OMIM 616471.

Allele frequency attached by ClinVar (database versions not stated): ExAC 0.00002; TOPMed 0.00002; gnomAD exomes 0.00003; gnomAD 0.00004 and 0.00005; ESP Exome Variant Server 0.00008.
gnomAD v4.1: 59 of 1,613,934 alleles (0.0037%); highest among the groups gnomAD compares: Admixed American, 0.0067%; no homozygotes.

Submissions (4):

Labcorp Genetics (formerly Invitae), Labcorp
Classification: Likely benign for Bethlem myopathy 2; Ullrich congenital muscular dystrophy 2. Last evaluated: 2025-12-15. Review status: criteria provided, single submitter. Criteria: Invitae Variant Classification Sherloc (09022015). Collection method: clinical testing. Allele origin: germline.

Mayo Clinic Laboratories, Mayo Clinic
Classification: Likely benign. Last evaluated: 2025-04-15. Review status: criteria provided, single submitter. Criteria: ACMG Guidelines, 2015. Collection method: clinical testing. Allele origin: germline. Observed: 1 variant allele.
Comment: BP4, BP7

CeGaT Center for Human Genetics Tuebingen
Classification: Likely benign. Last evaluated: 2025-01-01. Review status: criteria provided, single submitter. Criteria: CeGaT Center For Human Genetics Tuebingen Variant Classification Criteria Version 2. Collection method: clinical testing. Allele origin: germline. Affected: yes. Observed: 1 variant allele.
Comment: COL12A1: BP4, BP7

PreventionGenetics, part of Exact Sciences
Classification: Likely benign for COL12A1-related condition. Last evaluated: 2022-10-26. Review status: no assertion criteria provided. Collection method: clinical testing. Allele origin: germline. Not counted in ClinVar's aggregate classification.
Comment: This variant is classified as likely benign based on ACMG/AMP sequence variant interpretation guidelines (Richards et al. 2015 PMID: 25741868, with internal and published modifications).